The following is an entry in ClinVar:

NM_000321.3(RB1):c.998C>A (p.Ala333Glu)

Gene: RB1 (RB transcriptional corepressor 1; plus strand). Cytogenetic location: 13q14.2.
Variant type: single nucleotide variant.
Coding change: c.998C>A on transcript NM_000321.3 (MANE Select); coding-DNA position 998, C replaced by A.
Protein change: p.Ala333Glu; replaces alanine 333 with glutamic acid.
Molecular consequence: missense variant.
Genome position (GRCh38, 1-based): chr13:48,367,552, C>A. VCF-style: chr13-48367552-C-A. GRCh37 (hg19) VCF-style: chr13-48941688-C-A.
Other names: c.998C>A, p.Ala333Glu (NM_001407165.1, NM_001407166.1); short protein forms A333E.
Identifiers: ClinVar variation 2155742 (VCV002155742.6), dbSNP rs2138121300, ClinGen allele CA388160762.

ClinVar aggregate classification (germline): Uncertain significance. Review status: criteria provided, multiple submitters, no conflicts (2 of 4 stars). 2 submissions from 2 submitters: Uncertain significance (2). Last evaluated 2026-07-08.

Conditions:
Retinoblastoma (RB1). Also called: RETINOBLASTOMA, SOMATIC. Identifiers: Orphanet 790, MedGen C0035335, MeSH D012175, MONDO:0008380, OMIM 180200, HP:0009919. Disease mechanism: loss of function. Inheritance: Both sporadic and heritable forms are tested..
Hereditary cancer-predisposing syndrome. Also called: Tumor predisposition; Hereditary Cancer Syndrome; Hereditary neoplastic syndrome; Neoplastic Syndromes, Hereditary. Identifiers: Orphanet 140162, MedGen C0027672, MeSH D009386, MONDO:0015356.

Submissions (2):

Ambry Genetics
Classification: Uncertain significance for Hereditary cancer-predisposing syndrome. Last evaluated: 2026-07-08. Review status: criteria provided, single submitter. Criteria: Ambry Variant Classification Scheme 2023. Collection method: clinical testing. Allele origin: germline.
Comment: The p.A333E variant (also known as c.998C>A), located in coding exon 10 of the RB1 gene, results from a C to A substitution at nucleotide position 998. The alanine at codon 333 is replaced by glutamic acid, an amino acid with dissimilar properties. This amino acid position is highly conserved in available vertebrate species. In addition, this alteration is predicted to be deleterious by in silico analysis. Based on the available evidence, the clinical significance of this variant remains unclear.

Labcorp Genetics (formerly Invitae), Labcorp
Classification: Uncertain significance for Retinoblastoma. Last evaluated: 2025-04-30. Review status: criteria provided, single submitter. Criteria: Invitae Variant Classification Sherloc (09022015). Collection method: clinical testing. Allele origin: germline.
Comment: This sequence change replaces alanine, which is neutral and non-polar, with glutamic acid, which is acidic and polar, at codon 333 of the RB1 protein (p.Ala333Glu). This variant is not present in population databases (gnomAD no frequency). This variant has not been reported in the literature in individuals affected with RB1-related conditions. ClinVar contains an entry for this variant (Variation ID: 2155742). Invitae Evidence Modeling of protein sequence and biophysical properties (such as structural, functional, and spatial information, amino acid conservation, physicochemical variation, residue mobility, and thermodynamic stability) indicates that this missense variant is not expected to disrupt RB1 protein function with a negative predictive value of 80%. In summary, the available evidence is currently insufficient to determine the role of this variant in disease. Therefore, it has been classified as a Variant of Uncertain Significance.